The following is an entry in ClinVar:

NM_182961.4(SYNE1):c.2693A>T (p.Gln898Leu)

Gene: SYNE1 (spectrin repeat containing nuclear envelope protein 1; minus strand). Cytogenetic location: 6q25.2.
Variant type: single nucleotide variant.
Coding change: c.2693A>T on transcript NM_182961.4 (MANE Select); coding-DNA position 2693, A replaced by T.
Protein change: p.Gln898Leu; replaces glutamine 898 with leucine.
Molecular consequence: missense variant.
Genome position (GRCh38, 1-based): chr6:152,455,920, T>A on the plus strand (A>T on the coding strand, the complement: SYNE1 is on the minus strand). VCF-style: chr6-152455920-T-A. GRCh37 (hg19) VCF-style: chr6-152777055-T-A.
Other names: c.2714A>T, p.Gln905Leu (NM_033071.5); short protein forms Q898L, Q905L.
Identifiers: ClinVar variation 595613 (VCV000595613.10), dbSNP rs898451919, ClinGen allele CA150201424.

ClinVar aggregate classification (germline): Uncertain significance. Review status: criteria provided, multiple submitters, no conflicts (2 of 4 stars). 3 submissions from 3 submitters: Uncertain significance (3). Last evaluated 2022-09-20.

Conditions:
Emery-Dreifuss muscular dystrophy 4, autosomal dominant (EDMD4). Also called: EMERY-DREIFUSS MUSCULAR DYSTROPHY 4 WITH VARIABLE FEATURES. Identifiers: Orphanet 261, MedGen C2751807, MONDO:0013071, OMIM 612998.
Autosomal recessive ataxia, Beauce type. Also called: SYNE1-Related Autosomal Recessive Cerebellar Ataxia; Spinocerebellar ataxia, autosomal recessive 8; ATAXIA, RECESSIVE, OF BEAUCE; SYNE1 Deficiency. Identifiers: Orphanet 88644, MedGen C1853116, MONDO:0012549, OMIM 610743.

Allele frequency attached by ClinVar (database versions not stated): gnomAD exomes below 0.00001 and 0.00002; gnomAD 0.00001; TOPMed 0.00003.
gnomAD v4.1: 38 of 1,614,026 alleles (0.0024%); highest among the groups gnomAD compares: Non-Finnish European, 0.0028%; no homozygotes.

Submissions (3):

Labcorp Genetics (formerly Invitae), Labcorp
Classification: Uncertain significance for Emery-Dreifuss muscular dystrophy 4, autosomal dominant; Autosomal recessive ataxia, Beauce type. Last evaluated: 2022-09-20. Review status: criteria provided, single submitter. Criteria: Invitae Variant Classification Sherloc (09022015). Collection method: clinical testing. Allele origin: germline.
Comment: ClinVar contains an entry for this variant (Variation ID: 595613). In summary, the available evidence is currently insufficient to determine the role of this variant in disease. Therefore, it has been classified as a Variant of Uncertain Significance. Algorithms developed to predict the effect of missense changes on protein structure and function are either unavailable or do not agree on the potential impact of this missense change (SIFT: "Deleterious"; PolyPhen-2: "Benign"; Align-GVGD: "Class C0"). This variant has not been reported in the literature in individuals affected with SYNE1-related conditions. This variant is present in population databases (no rsID available, gnomAD 0.002%). This sequence change replaces glutamine, which is neutral and polar, with leucine, which is neutral and non-polar, at codon 905 of the SYNE1 protein (p.Gln905Leu).

Athena Diagnostics
Classification: Uncertain significance. Last evaluated: 2020-08-12. Review status: criteria provided, single submitter. Criteria: Athena Diagnostics Criteria. Collection method: clinical testing. Allele origin: unknown.

Eurofins Ntd Llc (ga)
Classification: Uncertain significance. Last evaluated: 2018-01-02. Review status: criteria provided, single submitter. Criteria: EGL Classification Definitions 2015. Collection method: clinical testing. Allele origin: germline. Observed: 1 variant allele, 1 heterozygote.